The following is an entry in ClinVar:

ClinVar aggregate classification (germline): Likely benign (1 of 4 stars; one submission).

Allele frequency attached by ClinVar (database versions not stated): gnomAD exomes 0.00052; gnomAD 0.00592 and 0.00626; TOPMed 0.00614; 1000 Genomes Project 0.00839; 1000 Genomes Project 30x 0.00937.

Submission:

GeneDx
Classification: Likely benign. Last evaluated: 2018-04-23. Review status: criteria provided, single submitter. Criteria: GeneDx Variant Classification (06012015). Collection method: clinical testing. Allele origin: germline. Affected: yes.
Comment: This variant is considered likely benign or benign based on one or more of the following criteria: it is a conservative change, it occurs at a poorly conserved position in the protein, it is predicted to be benign by multiple in silico algorithms, and/or has population frequency not consistent with disease.

NM_032790.4(ORAI1):c.-23C>T

Genes: ORAI1 (ORAI calcium release-activated calcium modulator 1; plus strand), LOC130008987 (ATAC-STARR-seq lymphoblastoid silent region 4981; plus strand). Cytogenetic location: 12q24.31.
Variant type: single nucleotide variant.
Coding change: c.-23C>T on transcript NM_032790.4 (MANE Select); 23 bases upstream of the start codon, C replaced by T.
Genome position (GRCh38, 1-based): chr12:121,626,720, C>T. VCF-style: chr12-121626720-C-T. GRCh37 (hg19) VCF-style: chr12-122064625-C-T.
Identifiers: ClinVar variation 676708 (VCV000676708.1), dbSNP rs570401469, ClinGen allele CA244608345.